The following is an entry in ClinVar:

NM_001378778.1(MPDZ):c.4444C>G (p.Gln1482Glu)

Gene: MPDZ (multiple PDZ domain crumbs cell polarity complex component; minus strand). Cytogenetic location: 9p23.
Variant type: single nucleotide variant.
Coding change: c.4444C>G on transcript NM_001378778.1 (MANE Select); coding-DNA position 4444, C replaced by G.
Protein change: p.Gln1482Glu; replaces glutamine 1482 with glutamic acid.
Molecular consequence: missense variant.
Genome position (GRCh38, 1-based): chr9:13,133,844, G>C on the plus strand (C>G on the coding strand, the complement: MPDZ is on the minus strand). VCF-style: chr9-13133844-G-C. GRCh37 (hg19) VCF-style: chr9-13133843-G-C.
Other names: c.4345C>G, p.Gln1449Glu (NM_001261406.2, NM_001261407.2, NM_001375416.1 and 3 more transcripts); c.4444C>G, p.Gln1482Glu (NM_001330637.2, NM_003829.5); c.4543C>G, p.Gln1515Glu (NM_001375413.1); c.4234C>G, p.Gln1412Glu (NM_001375420.1, NM_001375421.1, NM_001375422.1 and 4 more transcripts); c.4036C>G, p.Gln1346Glu (NM_001375427.1); short protein forms Q1412E, Q1449E, Q1482E, Q1346E, Q1515E.
Identifiers: ClinVar variation 1377244 (VCV001377244.6), dbSNP rs2132137338, ClinGen allele CA372948410.

ClinVar aggregate classification (germline): Uncertain significance (1 of 4 stars; one submission).

Submission:

Labcorp Genetics (formerly Invitae), Labcorp
Classification: Uncertain significance. Last evaluated: 2022-08-16. Review status: criteria provided, single submitter. Criteria: Invitae Variant Classification Sherloc (09022015). Collection method: clinical testing. Allele origin: germline.
Comment: In summary, the available evidence is currently insufficient to determine the role of this variant in disease. Therefore, it has been classified as a Variant of Uncertain Significance. Algorithms developed to predict the effect of missense changes on protein structure and function (SIFT, PolyPhen-2, Align-GVGD) all suggest that this variant is likely to be tolerated. ClinVar contains an entry for this variant (Variation ID: 1377244). This variant has not been reported in the literature in individuals affected with MPDZ-related conditions. This variant is not present in population databases (gnomAD no frequency). This sequence change replaces glutamine, which is neutral and polar, with glutamic acid, which is acidic and polar, at codon 1482 of the MPDZ protein (p.Gln1482Glu).